The following is an entry in ClinVar:

ClinVar aggregate classification (germline): Uncertain significance. Review status: criteria provided, multiple submitters, no conflicts (2 of 4 stars). 3 submissions from 3 submitters: Uncertain significance (3). Last evaluated 2026-04-07.

Conditions:
SEMA3E-related disorder. Also called: SEMA3E-related condition.
CHARGE syndrome (CHARGE). Also called: Coloboma, heart anomaly, choanal atresia, retardation, genital and ear anomalies; CHARGE association; Hall-Hittner syndrome; Hittner Hirsch Kreh syndrome; CHARGE ASSOCIATION--COLOBOMA, HEART ANOMALY, CHOANAL ATRESIA, RETARDATION, GENITAL AND EAR ANOMALIES. Identifiers: Orphanet 138, MedGen C0265354, MONDO:0008965.

Allele frequency attached by ClinVar (database versions not stated): TOPMed below 0.00001; gnomAD 0.00001; gnomAD exomes 0.00001 and 0.00002.

Submissions (3):

PreventionGenetics, part of Exact Sciences
Classification: Uncertain significance for SEMA3E-related condition. Last evaluated: 2026-04-07. Review status: criteria provided, single submitter. Criteria: ACMG Guidelines, 2015. Collection method: clinical testing. Allele origin: germline.
Comment: The SEMA3E c.1429G>A variant is predicted to result in the amino acid substitution p.Val477Ile. To our knowledge, this variant has not been reported in the literature. This variant is reported in 0.0064% of alleles in individuals of African descent in gnomAD. At this time, the clinical significance of this variant is uncertain due to the absence of conclusive functional and genetic evidence.

Labcorp Genetics (formerly Invitae), Labcorp
Classification: Uncertain significance for CHARGE syndrome. Last evaluated: 2023-04-22. Review status: criteria provided, single submitter. Criteria: Invitae Variant Classification Sherloc (09022015). Collection method: clinical testing. Allele origin: germline.
Comment: In summary, the available evidence is currently insufficient to determine the role of this variant in disease. Therefore, it has been classified as a Variant of Uncertain Significance. Advanced modeling of protein sequence and biophysical properties (such as structural, functional, and spatial information, amino acid conservation, physicochemical variation, residue mobility, and thermodynamic stability) performed at Invitae indicates that this missense variant is not expected to disrupt SEMA3E protein function. ClinVar contains an entry for this variant (Variation ID: 641315). This variant has not been reported in the literature in individuals affected with SEMA3E-related conditions. This variant is present in population databases (no rsID available, gnomAD 0.007%). This sequence change replaces valine, which is neutral and non-polar, with isoleucine, which is neutral and non-polar, at codon 477 of the SEMA3E protein (p.Val477Ile).

Ambry Genetics
Classification: Uncertain significance. Last evaluated: 2023-03-01. Review status: criteria provided, single submitter. Criteria: Ambry Variant Classification Scheme 2023. Collection method: clinical testing. Allele origin: germline.

NM_012431.3(SEMA3E):c.1429G>A (p.Val477Ile)

Gene: SEMA3E (semaphorin 3E; minus strand). Cytogenetic location: 7q21.11.
Variant type: single nucleotide variant.
Coding change: c.1429G>A on transcript NM_012431.3 (MANE Select); coding-DNA position 1429, G replaced by A.
Protein change: p.Val477Ile; replaces valine 477 with isoleucine.
Molecular consequence: missense variant.
Genome position (GRCh38, 1-based): chr7:83,396,667, C>T on the plus strand (G>A on the coding strand, the complement: SEMA3E is on the minus strand). VCF-style: chr7-83396667-C-T. GRCh37 (hg19) VCF-style: chr7-83025983-C-T.
Other names: c.1249G>A, p.Val417Ile (NM_001178129.2); short protein forms V477I, V417I.
Identifiers: ClinVar variation 641315 (VCV000641315.14), dbSNP rs1327334624, ClinGen allele CA367925184.